The following is an entry in ClinVar:

NM_000059.4(BRCA2):c.3738_3741del (p.Asn1246fs)

Gene: BRCA2 (BRCA2 DNA repair associated; plus strand). Cytogenetic location: 13q13.1.
Variant type: Deletion.
Coding change: c.3738_3741del on transcript NM_000059.4 (MANE Select); coding-DNA positions 3738 to 3741, 4 bases deleted (TATT; older notation c.3738_3741delTATT).
Protein change: p.Asn1246fs; shifts the reading frame from asparagine 1246.
Molecular consequence: frameshift variant.
Genome position (GRCh38, 1-based): chr13:32,338,093-32,338,096, TATT deleted. VCF-style (leftmost placement, unchanged base first): chr13-32338092-ATATT-A. GRCh37 (hg19) VCF-style: chr13-32912229-ATATT-A.
Other names: c.3738_3741delTATT (NM_000059.3); short protein forms N1246fs.
Identifiers: ClinVar variation 495454 (VCV000495454.10), dbSNP rs1555283381, ClinGen allele CA658683869.

ClinVar aggregate classification (germline): Pathogenic/Likely pathogenic. Review status: criteria provided, multiple submitters, no conflicts (2 of 4 stars). 3 submissions from 3 submitters: Pathogenic (2); Likely pathogenic (1). Last evaluated 2022-10-05.

Conditions:
Hereditary breast ovarian cancer syndrome. Also called: Hereditary breast and/or ovarian cancer syndrome; BRCA1- and BRCA2-Associated Hereditary Breast and Ovarian Cancer; Breast and ovarian cancer; Hereditary breast and ovarian cancer; Hereditary breast and ovarian cancer syndrome; Hereditary breast and ovarian cancer syndrome (HBOC). Identifiers: Orphanet 145, MedGen C0677776, MeSH D061325, MONDO:0003582. Disease mechanism: loss of function.
Hereditary cancer-predisposing syndrome. Also called: Hereditary neoplastic syndrome; Tumor predisposition; Hereditary Cancer Syndrome; Neoplastic Syndromes, Hereditary. Identifiers: Orphanet 140162, MedGen C0027672, MeSH D009386, MONDO:0015356.

Submissions (3):

Labcorp Genetics (formerly Invitae), Labcorp
Classification: Pathogenic for Hereditary breast ovarian cancer syndrome. Last evaluated: 2022-10-05. Review status: criteria provided, single submitter. Criteria: Invitae Variant Classification Sherloc (09022015). Collection method: clinical testing. Allele origin: germline.
Comment: ClinVar contains an entry for this variant (Variation ID: 495454). This variant has not been reported in the literature in individuals affected with BRCA2-related conditions. This variant is not present in population databases (gnomAD no frequency). This sequence change creates a premature translational stop signal (p.Asn1246Lysfs*12) in the BRCA2 gene. It is expected to result in an absent or disrupted protein product. Loss-of-function variants in BRCA2 are known to be pathogenic (PMID: 20104584). For these reasons, this variant has been classified as Pathogenic.

Ambry Genetics
Classification: Pathogenic for Hereditary cancer-predisposing syndrome. Last evaluated: 2019-05-09. Review status: criteria provided, single submitter. Criteria: Ambry Variant Classification Scheme 2023. Collection method: clinical testing. Allele origin: germline.
Comment: The c.3738_3741delTATT pathogenic mutation, located in coding exon 10 of the BRCA2 gene, results from a deletion of 4 nucleotides at nucleotide positions 3738 to 3741, causing a translational frameshift with a predicted alternate stop codon (p.N1246Kfs*12). This alteration is expected to result in loss of function by premature protein truncation or nonsense-mediated mRNA decay. As such, this alteration is interpreted as a disease-causing mutation.

Women's Health and Genetics/Laboratory Corporation of America, LabCorp
Classification: Likely pathogenic for Hereditary breast ovarian cancer syndrome. Last evaluated: 2017-07-27. Review status: criteria provided, single submitter. Criteria: LabCorp Variant Classification Summary - May 2015. Collection method: clinical testing. Allele origin: germline.
Comment: Variant summary: The BRCA2 c.3738_3741delTATT (p.Asn1246Lysfs) variant results in a premature termination codon, predicted to cause a truncated or absent BRCA2 protein due to nonsense mediated decay, which are commonly known mechanisms for disease. Truncations downstream of this position have been classified as pathogenic by our laboratory (e.g. c.3847_3848delGT, p.Val1283fs). One in silico tool predicts a damaging outcome for this variant. This variant is absent in 119920 control chromosomes. The variant of interest has not, to our knowledge, been reported in affected individuals via publications and/or reputable databases/clinical diagnostic laboratories; nor evaluated for functional impact by in vivo/vitro studies. Taken together, this variant is classified as likely pathogenic.

Literature cited by the submitters: PubMed 20104584 (cited by Labcorp Genetics (formerly Invitae), Labcorp).